The following is an entry in ClinVar:

NM_014370.4(SRPK3):c.1337T>G (p.Ile446Ser)

Gene: SRPK3 (SRSF protein kinase 3; plus strand). Cytogenetic location: Xq28.
Variant type: single nucleotide variant.
Coding change: c.1337T>G on transcript NM_014370.4 (MANE Select); coding-DNA position 1337, T replaced by G.
Protein change: p.Ile446Ser; replaces isoleucine 446 with serine.
Molecular consequence: missense variant.
Genome position (GRCh38, 1-based): chrX:153,784,838, T>G. VCF-style: chrX-153784838-T-G. GRCh37 (hg19) VCF-style: chrX-153050293-T-G.
Other names: c.1334T>G, p.Ile445Ser (NM_001170760.2); c.1235T>G, p.Ile412Ser (NM_001170761.2); short protein forms I446S, I412S, I445S.
Identifiers: ClinVar variation 440949 (VCV000440949.5), dbSNP rs1557068452, ClinGen allele CA415169681.

ClinVar aggregate classification (germline): Uncertain significance (1 of 4 stars; one submission).

Allele frequency attached by ClinVar (database versions not stated): gnomAD exomes 0.00001; gnomAD 0.00003.

Submission:

Ambry Genetics
Classification: Uncertain significance. Last evaluated: 2025-06-30. Review status: criteria provided, single submitter. Criteria: Ambry Variant Classification Scheme 2023. Collection method: clinical testing. Allele origin: germline.